The following is an entry in ClinVar:

ClinVar aggregate classification (germline): Uncertain significance. Review status: criteria provided, multiple submitters, no conflicts (2 of 4 stars). 3 submissions from 3 submitters: Uncertain significance (3). Last evaluated 2025-11-17.

Conditions:
Duchenne muscular dystrophy (DMD). Also called: MUSCULAR DYSTROPHY, PSEUDOHYPERTROPHIC PROGRESSIVE, DUCHENNE TYPE; Duchenne Muscular Dystrophy (DMD). Identifiers: Orphanet 98896, MedGen C0013264, MONDO:0010679, OMIM 310200.
Cardiovascular phenotype. Identifiers: MedGen CN230736.

Allele frequency attached by ClinVar (database versions not stated): gnomAD exomes below 0.00001.
gnomAD v4.1: 2 of 1,199,730 alleles (0.00017%); highest among the groups gnomAD compares: African/African-American, 0.0035%; no homozygotes.

Submissions (3):

Labcorp Genetics (formerly Invitae), Labcorp
Classification: Uncertain significance for Duchenne muscular dystrophy. Last evaluated: 2025-11-17. Review status: criteria provided, single submitter. Criteria: Invitae Variant Classification Sherloc (09022015). Collection method: clinical testing. Allele origin: germline.
Comment: This sequence change replaces glutamine, which is neutral and polar, with histidine, which is basic and polar, at codon 1054 of the DMD protein (p.Gln1054His). This variant also falls at the last nucleotide of exon 23, which is part of the consensus splice site for this exon. This variant is not present in population databases (gnomAD no frequency). This variant has not been reported in the literature in individuals affected with DMD-related conditions. ClinVar contains an entry for this variant (Variation ID: 1367890). An algorithm developed to predict the effect of missense changes on protein structure and function (PolyPhen-2) suggests that this variant is likely to be disruptive. Variants that disrupt the consensus splice site are a relatively common cause of aberrant splicing (PMID: 17576681, 9536098). Algorithms developed to predict the effect of sequence changes on RNA splicing suggest that this variant may disrupt the consensus splice site. In summary, the available evidence is currently insufficient to determine the role of this variant in disease. Therefore, it has been classified as a Variant of Uncertain Significance.

Women's Health and Genetics/Laboratory Corporation of America, LabCorp
Classification: Uncertain significance. Last evaluated: 2024-12-14. Review status: criteria provided, single submitter. Criteria: LabCorp Variant Classification Summary - May 2015. Collection method: clinical testing. Allele origin: germline.

Ambry Genetics
Classification: Uncertain significance for Cardiovascular phenotype. Last evaluated: 2022-08-17. Review status: criteria provided, single submitter. Criteria: Ambry Variant Classification Scheme 2023. Collection method: clinical testing. Allele origin: germline.
Comment: The p.Q1054H variant (also known as c.3162G>C), located in coding exon 23 of the DMD gene, results from a G to C substitution at nucleotide position 3162. The amino acid change results in glutamine to histidine at codon 1054, an amino acid with highly similar properties. This amino acid position is highly conserved in available vertebrate species. In addition, this alteration is predicted to be tolerated by in silico analysis. Since supporting evidence is limited at this time, the clinical significance of this alteration remains unclear.

Literature cited by the submitters: PubMed 17576681 (cited by Labcorp Genetics (formerly Invitae), Labcorp); PubMed 9536098 (cited by Labcorp Genetics (formerly Invitae), Labcorp).

NM_004006.3(DMD):c.3162G>C (p.Gln1054His)

Gene: DMD (dystrophin; minus strand). Cytogenetic location: Xp21.1.
Variant type: single nucleotide variant.
Coding change: c.3162G>C on transcript NM_004006.3 (MANE Select); coding-DNA position 3162, G replaced by C.
Protein change: p.Gln1054His; replaces glutamine 1054 with histidine.
Molecular consequence: missense variant.
Genome position (GRCh38, 1-based): chrX:32,468,498, C>G on the plus strand (G>C on the coding strand, the complement: DMD is on the minus strand). VCF-style: chrX-32468498-C-G. GRCh37 (hg19) VCF-style: chrX-32486615-C-G.
Other names: c.3138G>C, p.Gln1046His (NM_000109.4); c.3150G>C, p.Gln1050His (NM_004009.3); c.2793G>C, p.Gln931His (NM_004010.3); short protein forms Q1054H, Q1046H, Q1050H, Q931H.
Identifiers: ClinVar variation 1367890 (VCV001367890.8), dbSNP rs1414538851, ClinGen allele CA412666730.